The following is an entry in ClinVar:

ClinVar aggregate classification (germline): Uncertain significance (1 of 4 stars; one submission).

Allele frequency attached by ClinVar (database versions not stated): gnomAD exomes below 0.00001.
gnomAD v4.1: 1 of 1,614,190 alleles (0.000062%); highest among the groups gnomAD compares: African/African-American, 0.0013%; no homozygotes.

Submission:

Labcorp Genetics (formerly Invitae), Labcorp
Classification: Uncertain significance. Last evaluated: 2021-12-02. Review status: criteria provided, single submitter. Criteria: Invitae Variant Classification Sherloc (09022015). Collection method: clinical testing. Allele origin: germline.
Comment: In summary, the available evidence is currently insufficient to determine the role of this variant in disease. Therefore, it has been classified as a Variant of Uncertain Significance. Algorithms developed to predict the effect of missense changes on protein structure and function are either unavailable or do not agree on the potential impact of this missense change (SIFT: "Not Available"; PolyPhen-2: "Possibly Damaging"; Align-GVGD: "Not Available"). This missense change has been observed in individual(s) with Crigler-Najjar syndrome, type II (PMID: 30544479). This variant is present in population databases (no rsID available, gnomAD 0.007%). This sequence change replaces glycine, which is neutral and non-polar, with glutamic acid, which is acidic and polar, at codon 96 of the UGT1A1 protein (p.Gly96Glu).

Literature cited by the submitters: PubMed 30544479.

NM_000463.3(UGT1A1):c.287G>A (p.Gly96Glu)

Genes: UGT1A (UDP glucuronosyltransferase family 1 member A complex locus; plus strand), UGT1A1 (UDP glucuronosyltransferase family 1 member A1; plus strand), UGT1A10 (UDP glucuronosyltransferase family 1 member A10; plus strand), UGT1A3 (UDP glucuronosyltransferase family 1 member A3; plus strand), UGT1A4 (UDP glucuronosyltransferase family 1 member A4; plus strand) and 5 more. Cytogenetic location: 2q37.1.
Variant type: single nucleotide variant.
Coding change: c.287G>A on transcript NM_000463.3 (MANE Select); coding-DNA position 287, G replaced by A.
Protein change: p.Gly96Glu; replaces glycine 96 with glutamic acid.
Molecular consequence: missense variant. On other transcripts: intron variant (9).
Genome position (GRCh38, 1-based): chr2:233,760,574, G>A. VCF-style: chr2-233760574-G-A. GRCh37 (hg19) VCF-style: chr2-234669220-G-A.
Other names: c.856-6460G>A (NM_019076.5, NM_019075.4, NM_021027.3 and 1 more transcripts); c.61-6460G>A (NM_205862.3); c.862-6460G>A (NM_001072.4); c.868-6460G>A (NM_019078.2, NM_007120.3, NM_019093.4); short protein forms G96E.
Identifiers: ClinVar variation 1373537 (VCV001373537.6), dbSNP rs1287104845, ClinGen allele CA351066340.